The following is an entry in ClinVar:

NM_004560.4(ROR2):c.276C>T (p.Asn92=)

Gene: ROR2 (ROR family WNT receptor 2; minus strand). Cytogenetic location: 9q22.31.
Variant type: single nucleotide variant.
Coding change: c.276C>T on transcript NM_004560.4 (MANE Select); coding-DNA position 276, C replaced by T.
Protein change: p.Asn92=; no amino-acid change (asparagine 92 retained).
Molecular consequence: synonymous variant.
Genome position (GRCh38, 1-based): chr9:91,757,459, G>A on the plus strand (C>T on the coding strand, the complement: ROR2 is on the minus strand). VCF-style: chr9-91757459-G-A. GRCh37 (hg19) VCF-style: chr9-94519741-G-A.
Other names: c.276C>T, p.Asn92= (NM_001318204.2).
Identifiers: ClinVar variation 367517 (VCV000367517.19), dbSNP rs56227711, ClinGen allele CA5121072.

ClinVar aggregate classification (germline): Benign/Likely benign. Review status: criteria provided, multiple submitters, no conflicts (2 of 4 stars). 6 submissions from 5 submitters: Benign (5); Likely benign (1). Last evaluated 2026-02-01.

Conditions:
Autosomal recessive Robinow syndrome (RRS1). Also called: ROR2-Related Robinow Syndrome; COSTOVERTEBRAL SEGMENTATION DEFECT WITH MESOMELIA; COVESDEM SYNDROME; ROBINOW SYNDROME, AUTOSOMAL RECESSIVE 1. Identifiers: Orphanet 1507, Orphanet 97360, MedGen C5399974, MONDO:0009999, OMIM 268310.
Brachydactyly type B1 (BDB1). Identifiers: Orphanet 572385, Orphanet 93383, MedGen C1862112, MONDO:0007220, OMIM 113000.

Allele frequency attached by ClinVar (database versions not stated): gnomAD 0.02859 and 0.03061; TOPMed 0.03212; 1000 Genomes Project 0.03255; ESP Exome Variant Server 0.03460; 1000 Genomes Project 30x 0.03513; gnomAD exomes 0.00313 and 0.00761; ExAC 0.00958.
gnomAD v4.1: 9,084 of 1,613,870 alleles (0.56%); highest among the groups gnomAD compares: African/African-American, 10%; 399 homozygotes.

Submissions (6):

Labcorp Genetics (formerly Invitae), Labcorp
Classification: Benign. Last evaluated: 2026-02-01. Review status: criteria provided, single submitter. Criteria: Invitae Variant Classification Sherloc (09022015). Collection method: clinical testing. Allele origin: germline.

Blueprint Genetics
Classification: Likely benign. Last evaluated: 2024-11-25. Review status: criteria provided, single submitter. Criteria: ACMG Guidelines, 2015. Collection method: clinical testing. Allele origin: germline.

GeneDx
Classification: Benign. Last evaluated: 2018-11-18. Review status: criteria provided, single submitter. Criteria: GeneDx Variant Classification Process June 2021. Collection method: clinical testing. Allele origin: germline. Affected: yes.

Illumina Laboratory Services, Illumina
Classification: Benign for Brachydactyly type B1. Last evaluated: 2018-01-13. Review status: criteria provided, single submitter. Criteria: ICSL Variant Classification Criteria 13 December 2019. Collection method: clinical testing. Allele origin: germline.
Comment: This variant was observed in the ICSL laboratory as part of a predisposition screen in an ostensibly healthy population. It had not been previously curated by ICSL or reported in the Human Gene Mutation Database (HGMD: prior to June 1st, 2018), and was therefore a candidate for classification through an automated scoring system. Utilizing variant allele frequency, disease prevalence and penetrance estimates, and inheritance mode, an automated score was calculated to assess if this variant is too frequent to cause the disease. Based on the score and internal cut-off values, a variant classified as benign is not then subjected to further curation. The score for this variant resulted in a classification of benign for this disease.

Illumina Laboratory Services, Illumina
Classification: Benign for Autosomal recessive Robinow syndrome. Last evaluated: 2018-01-13. Review status: criteria provided, single submitter. Criteria: ICSL Variant Classification Criteria 13 December 2019. Collection method: clinical testing. Allele origin: germline.
Comment: the same text as in the submission from Illumina Laboratory Services, Illumina above.

Breakthrough Genomics
Classification: Benign. Review status: criteria provided, single submitter. Criteria: ACMG Guidelines, 2015. Collection method: not provided. Allele origin: germline. Inheritance: Autosomal recessive inheritance. Affected: yes.